The following is an entry in ClinVar:

NM_000222.3(KIT):c.2377T>A (p.Leu793Met)

Gene: KIT (KIT proto-oncogene, receptor tyrosine kinase; plus strand). Cytogenetic location: 4q12.
Variant type: single nucleotide variant.
Coding change: c.2377T>A on transcript NM_000222.3 (MANE Select); coding-DNA position 2377, T replaced by A.
Protein change: p.Leu793Met; replaces leucine 793 with methionine.
Molecular consequence: missense variant.
Genome position (GRCh38, 1-based): chr4:54,733,085, T>A. VCF-style: chr4-54733085-T-A. GRCh37 (hg19) VCF-style: chr4-55599251-T-A.
Other names: c.2365T>A, p.Leu789Met (NM_001093772.2, NM_001385292.1); c.2380T>A, p.Leu794Met (NM_001385284.1); c.2374T>A, p.Leu792Met (NM_001385285.1); c.2362T>A, p.Leu788Met (NM_001385286.1); c.2368T>A, p.Leu790Met (NM_001385288.1); c.2377T>A, p.Leu793Met (NM_001385290.1); short protein forms L789M, L793M, L788M, L790M, L792M, L794M.
Identifiers: ClinVar variation 649685 (VCV000649685.11), dbSNP rs558702741, ClinGen allele CA96879665.

ClinVar aggregate classification (germline): Uncertain significance (1 of 4 stars; one submission).

Conditions:
Gastrointestinal stromal tumor. Also called: Gastrointestinal stromal tumor, somatic; Gastrointestinal stroma tumor. Identifiers: Orphanet 44890, MedGen C0238198, MeSH D046152, MONDO:0011719, OMIM 606764, HP:0100723.

gnomAD v4.1: 12 of 1,612,288 alleles (0.00074%); highest among the groups gnomAD compares: Non-Finnish European, 0.001%; no homozygotes.

Submission:

Labcorp Genetics (formerly Invitae), Labcorp
Classification: Uncertain significance for Gastrointestinal stromal tumor. Last evaluated: 2023-01-28. Review status: criteria provided, single submitter. Criteria: Invitae Variant Classification Sherloc (09022015). Collection method: clinical testing. Allele origin: germline.
Comment: In summary, the available evidence is currently insufficient to determine the role of this variant in disease. Therefore, it has been classified as a Variant of Uncertain Significance. Algorithms developed to predict the effect of missense changes on protein structure and function are either unavailable or do not agree on the potential impact of this missense change (SIFT: "Deleterious"; PolyPhen-2: "Probably Damaging"; Align-GVGD: "Class C0"). ClinVar contains an entry for this variant (Variation ID: 649685). This variant has not been reported in the literature in individuals affected with KIT-related conditions. This variant is not present in population databases (gnomAD no frequency). This sequence change replaces leucine, which is neutral and non-polar, with methionine, which is neutral and non-polar, at codon 793 of the KIT protein (p.Leu793Met).